The following is an entry in ClinVar:

ClinVar aggregate classification (germline): Uncertain significance (1 of 4 stars; one submission).

Conditions:
Developmental and epileptic encephalopathy, 30 (DEE30). Also called: Epileptic encephalopathy, early infantile, 30. Identifiers: MedGen C4225360, MONDO:0014595, OMIM 616341.

Submission:

Labcorp Genetics (formerly Invitae), Labcorp
Classification: Uncertain significance for Developmental and epileptic encephalopathy, 30. Last evaluated: 2022-06-14. Review status: criteria provided, single submitter. Criteria: Invitae Variant Classification Sherloc (09022015). Collection method: clinical testing. Allele origin: germline.
Comment: This sequence change replaces methionine, which is neutral and non-polar, with valine, which is neutral and non-polar, at codon 768 of the SIK1 protein (p.Met768Val). In summary, the available evidence is currently insufficient to determine the role of this variant in disease. Therefore, it has been classified as a Variant of Uncertain Significance. Advanced modeling of protein sequence and biophysical properties (such as structural, functional, and spatial information, amino acid conservation, physicochemical variation, residue mobility, and thermodynamic stability) performed at Invitae indicates that this missense variant is not expected to disrupt SIK1 protein function. This variant has not been reported in the literature in individuals affected with SIK1-related conditions. This variant is not present in population databases (gnomAD no frequency).

NM_173354.5(SIK1):c.2302A>G (p.Met768Val)

Gene: SIK1 (salt inducible kinase 1; minus strand). Cytogenetic location: 21q22.3.
Variant type: single nucleotide variant.
Coding change: c.2302A>G on transcript NM_173354.5 (MANE Select); coding-DNA position 2302, A replaced by G.
Protein change: p.Met768Val; replaces methionine 768 with valine.
Molecular consequence: missense variant.
Genome position (GRCh38, 1-based): chr21:43,416,792, T>C on the plus strand (A>G on the coding strand, the complement: SIK1 is on the minus strand). VCF-style: chr21-43416792-T-C. GRCh37 (hg19) VCF-style: chr21-44836672-T-C.
Other names: short protein forms M768V.
Identifiers: ClinVar variation 2006279 (VCV002006279.4), dbSNP rs2516963616, ClinGen allele CA410606261.
Genomic context (GRCh38, chr21:43,416,792, plus strand): 5'-AGGGCTGCCCTCACTGCACCAGGACAAACGTGCCTAGGGAGCAGGGCATCAGGTCCTCCA[T>C]CTCACAGTCCCCCTGCAGCAGCCCCAGGGGCTCACAACCTGGGGCCAGCCTGGCCAGGCG-3'
Protein context (NP_775490.2, residues 758-778): PLGLLQGDCE[Met768Val]EDLMPCSLGT